The following is an entry in ClinVar:

ClinVar aggregate classification (germline): Uncertain significance (1 of 4 stars; one submission).

Submission:

Labcorp Genetics (formerly Invitae), Labcorp
Classification: Uncertain significance. Last evaluated: 2025-09-13. Review status: criteria provided, single submitter. Criteria: Invitae Variant Classification Sherloc (09022015). Collection method: clinical testing. Allele origin: germline.
Comment: This sequence change replaces lysine, which is basic and polar, with asparagine, which is neutral and polar, at codon 323 of the EDNRB protein (p.Lys323Asn). This variant is not present in population databases (gnomAD no frequency). This variant has not been reported in the literature in individuals affected with EDNRB-related conditions. Invitae Evidence Modeling of protein sequence and biophysical properties (such as structural, functional, and spatial information, amino acid conservation, physicochemical variation, residue mobility, and thermodynamic stability) has been performed for this missense variant. However, the output from this modeling did not meet the statistical confidence thresholds required to predict the impact of this variant on EDNRB protein function. In summary, the available evidence is currently insufficient to determine the role of this variant in disease. Therefore, it has been classified as a Variant of Uncertain Significance.

NM_001122659.3(EDNRB):c.969A>C (p.Lys323Asn)

Genes: EDNRB (endothelin receptor type B; minus strand), EDNRB-AS1 (EDNRB antisense RNA 1; plus strand). Cytogenetic location: 13q22.3.
Variant type: single nucleotide variant.
Coding change: c.969A>C on transcript NM_001122659.3 (MANE Select); coding-DNA position 969, A replaced by C.
Protein change: p.Lys323Asn; replaces lysine 323 with asparagine.
Molecular consequence: missense variant.
Genome position (GRCh38, 1-based): chr13:77,900,637, T>G on the plus strand (A>C on the coding strand, the complement: EDNRB is on the minus strand). VCF-style: chr13-77900637-T-G. GRCh37 (hg19) VCF-style: chr13-78474772-T-G.
Other names: c.969A>C, p.Lys323Asn (NM_000115.5, NM_003991.4); c.1239A>C, p.Lys413Asn (NM_001201397.2); short protein forms K413N, K323N.
Identifiers: ClinVar variation 4742922 (VCV004742922.1).
Genomic context (GRCh38, chr13:77,900,637, plus strand): 5'-CCTGCTGAGGTGAAGGGGAAGCCAGCAGAGGGCAAAGACAAGGACCAGGCAAAAGACGGT[T>G]TTGGCCACTTCCCGTCTCTGAAATAAATCCATAGTTTGACCCTTAAAAGATGGCTCATTT-3'
Protein context (NP_001116131.1, residues 313-333): DHLKQRREVA[Lys323Asn]TVFCLVLVFA